The following is an entry in ClinVar:

ClinVar aggregate classification (germline): Conflicting classifications of pathogenicity. Review status: criteria provided, conflicting classifications (1 of 4 stars). 2 submissions from 2 submitters: Uncertain significance (1); Likely benign (1). Last evaluated 2025-10-29.

Conditions:
RYR1-related disorder. Also called: RYR1-related disorders; RYR1-related condition. Identifiers: MedGen CN239331.
Epilepsy. Also called: Seizure disorder. Identifiers: MedGen C0014544, MeSH D004827, MONDO:0005027.

Allele frequency attached by ClinVar (database versions not stated): TOPMed below 0.00001; gnomAD exomes 0.00002 and 0.00004; ExAC 0.00018.

Submissions (2):

Labcorp Genetics (formerly Invitae), Labcorp
Classification: Uncertain significance for RYR1-related disorder. Last evaluated: 2025-10-29. Review status: criteria provided, single submitter. Criteria: Invitae Variant Classification Sherloc (09022015). Collection method: clinical testing. Allele origin: germline.
Comment: This variant, c.12810_12818del, results in the deletion of 3 amino acid(s) of the RYR1 protein (p.Gly4274_Glu4276del), but otherwise preserves the integrity of the reading frame. This variant is present in population databases (rs759582696, gnomAD 0.02%). This variant has not been reported in the literature in individuals affected with RYR1-related conditions. ClinVar contains an entry for this variant (Variation ID: 478176). Experimental studies and prediction algorithms are not available or were not evaluated, and the functional significance of this variant is currently unknown. In summary, the available evidence is currently insufficient to determine the role of this variant in disease. Therefore, it has been classified as a Variant of Uncertain Significance.

Cambridge Genomics Laboratory, East Genomic Laboratory Hub, NHS Genomic Medicine Service
Classification: Likely benign for Epilepsy. Last evaluated: 2020-05-14. Review status: criteria provided, single submitter. Criteria: ACGS Best Practice Guidelines for Variant Classification in Rare Disease 2020. Collection method: clinical testing. Allele origin: germline. Affected: yes. Observed: 1 variant allele.

NM_000540.3(RYR1):c.12810_12818del (p.4271GAE[1])

Gene: RYR1 (ryanodine receptor 1; plus strand). Cytogenetic location: 19q13.2.
Variant type: Deletion.
Coding change: c.12810_12818del on transcript NM_000540.3 (MANE Select); coding-DNA positions 12810 to 12818, 9 bases deleted (GGGCGCGGA; older notation c.12810_12818delGGGCGCGGA).
Protein change: p.4271GAE[1].
Molecular consequence: inframe deletion.
Genome position (GRCh38, 1-based): chr19:38,565,144-38,565,152, GGGCGCGGA deleted. VCF-style (leftmost placement, unchanged base first): chr19-38565143-CGGGCGCGGA-C. GRCh37 (hg19) VCF-style: chr19-39055783-CGGGCGCGGA-C.
Other names: c.12795_12803del, p.4266GAE[1] (NM_001042723.2); c.12810_12818delGGGCGCGGA (NM_000540.2).
Identifiers: ClinVar variation 478176 (VCV000478176.8), dbSNP rs759582696, ClinGen allele CA059452.
Genomic context (GRCh38, chr19:38,565,143, plus strand): 5'-TCTCGGAGCCCGAGGGCGAGCCGGAGACCGACGAGGACGAGGGCGCGGGCGCGGCGGAGG[CGGGCGCGGA>C]AGGCGCGGAGGAGGGCGCGGCGGGGCTCGAGGGCACGGCGGCCACGGCGGCGGCGGGGGC-3'